The following is an entry in ClinVar:

NM_002755.4(MAP2K1):c.388T>A (p.Tyr130Asn)

Gene: MAP2K1 (mitogen-activated protein kinase kinase 1; plus strand). Cytogenetic location: 15q22.31.
Variant type: single nucleotide variant.
Coding change: c.388T>A on transcript NM_002755.4 (MANE Select); coding-DNA position 388, T replaced by A.
Protein change: p.Tyr130Asn; replaces tyrosine 130 with asparagine.
Molecular consequence: missense variant.
Genome position (GRCh38, 1-based): chr15:66,436,842, T>A. VCF-style: chr15-66436842-T-A. GRCh37 (hg19) VCF-style: chr15-66729180-T-A.
Other names: short protein forms Y130N.
Identifiers: ClinVar variation 636238 (VCV000636238.4), dbSNP rs397516793, ClinGen allele CA392930783.
Genomic context (GRCh38, chr15:66,436,842, plus strand): 5'-CAGATCATAAGGGAGCTGCAGGTTCTGCATGAGTGCAACTCTCCGTACATCGTGGGCTTC[T>A]ATGGTGCGTTCTACAGCGATGGCGAGATCAGTATCTGCATGGAGCACATGGTATGTGACA-3'
Protein context (NP_002746.1, residues 120-140): ECNSPYIVGF[Tyr130Asn]GAFYSDGEIS

ClinVar aggregate classification (germline): Pathogenic (1 of 4 stars; one submission).

Conditions:
Cardiofaciocutaneous syndrome 3 (CFC3). Also called: MAP2K1-Related Cardiofaciocutaneous Syndrome. Identifiers: Orphanet 1340, MedGen C3809006, MONDO:0014113, OMIM 615279.

Submission:

Undiagnosed Diseases Network, NIH
Classification: Pathogenic for Cardiofaciocutaneous syndrome 3. Last evaluated: 2018-07-13. Review status: criteria provided, single submitter. Criteria: ACMG Guidelines, 2015. Collection method: clinical testing. Allele origin: de novo. Inheritance: Autosomal dominant inheritance. Affected: yes. Observed: 1 variant allele, 1 heterozygote, 1 mosaic individual.
Comment: A mosaic de novo c.388T>A (p.Y130N) pathogenic variant in the MAP2K1 gene was detected by exome sequencing and confirmed by Sanger sequencing. The c.388T>A (p.Y130N) variant has been previously reported as disease-causing in one patient with cardiofaciocutaneous syndrome [PMID 18413255] and is absent in the general population (gnomAD database). In addition, allelic variants of c.389A>G (p.Y130C) and c.388T>C (p.Y130H) are both pathogenic variants previously reported in multiple affected patients. Functional studies showed protein with p.Y130C variant has increased kinase activity.